The following is an entry in ClinVar:

ClinVar aggregate classification (germline): Uncertain significance (1 of 4 stars; one submission).

Conditions:
Parathyroid carcinoma (PRTC). Also called: CDC73-Related Parathyroid Carcinoma; Parathyroid gland carcinoma. Identifiers: Orphanet 143, MedGen C0687150, MONDO:0012004, OMIM 608266, HP:0006780.

Allele frequency attached by ClinVar (database versions not stated): gnomAD exomes below 0.00001.
gnomAD v4.1: 1 of 1,607,706 alleles (0.000062%); highest among the groups gnomAD compares: Non-Finnish European, 0.000085%; no homozygotes.

Submission:

Labcorp Genetics (formerly Invitae), Labcorp
Classification: Uncertain significance for Parathyroid carcinoma. Last evaluated: 2024-08-19. Review status: criteria provided, single submitter. Criteria: Invitae Variant Classification Sherloc (09022015). Collection method: clinical testing. Allele origin: germline.
Comment: This sequence change replaces isoleucine, which is neutral and non-polar, with valine, which is neutral and non-polar, at codon 249 of the CDC73 protein (p.Ile249Val). This variant is present in population databases (no rsID available, gnomAD 0.0009%). This variant has not been reported in the literature in individuals affected with CDC73-related conditions. Invitae Evidence Modeling of protein sequence and biophysical properties (such as structural, functional, and spatial information, amino acid conservation, physicochemical variation, residue mobility, and thermodynamic stability) indicates that this missense variant is not expected to disrupt CDC73 protein function with a negative predictive value of 80%. In summary, the available evidence is currently insufficient to determine the role of this variant in disease. Therefore, it has been classified as a Variant of Uncertain Significance.

NM_024529.5(CDC73):c.745A>G (p.Ile249Val)

Gene: CDC73 (cell division cycle 73; plus strand). Cytogenetic location: 1q31.2.
Variant type: single nucleotide variant.
Coding change: c.745A>G on transcript NM_024529.5 (MANE Select); coding-DNA position 745, A replaced by G.
Protein change: p.Ile249Val; replaces isoleucine 249 with valine.
Molecular consequence: missense variant.
Genome position (GRCh38, 1-based): chr1:193,147,882, A>G. VCF-style: chr1-193147882-A-G. GRCh37 (hg19) VCF-style: chr1-193117012-A-G.
Other names: short protein forms I249V.
Identifiers: ClinVar variation 2754503 (VCV002754503.3), dbSNP rs1250821112, ClinGen allele CA343963844.